The following is an entry in ClinVar:

ClinVar aggregate classification (germline): Uncertain significance. Review status: criteria provided, multiple submitters, no conflicts (2 of 4 stars). 2 submissions from 2 submitters: Uncertain significance (2). Last evaluated 2023-12-28.

Conditions:
Inborn genetic diseases. Identifiers: MedGen C0950123, MeSH D030342.
Ellis-van Creveld syndrome (EVC). Also called: EVC-Related Ellis-van Creveld Syndrome; EVC2-Related Ellis-van Creveld Syndrome; MESOECTODERMAL DYSPLASIA; Chondroectodermal dysplasia. Identifiers: Orphanet 289, MedGen C0013903, MONDO:0009162, OMIM 225500.
Curry-Hall syndrome (WAD). Also called: WEYERS ACRODENTAL DYSOSTOSIS. Identifiers: Orphanet 952, MedGen C0457013, MONDO:0008673, OMIM 193530.

Allele frequency attached by ClinVar (database versions not stated): ExAC 0.00001; gnomAD exomes 0.00001; gnomAD 0.00003; TOPMed 0.00003.

Submissions (2):

Labcorp Genetics (formerly Invitae), Labcorp
Classification: Uncertain significance for Curry-Hall syndrome; Ellis-van Creveld syndrome. Last evaluated: 2023-12-28. Review status: criteria provided, single submitter. Criteria: Invitae Variant Classification Sherloc (09022015). Collection method: clinical testing. Allele origin: germline.
Comment: This sequence change replaces isoleucine, which is neutral and non-polar, with valine, which is neutral and non-polar, at codon 549 of the EVC2 protein (p.Ile549Val). This variant is present in population databases (rs752929789, gnomAD 0.007%). This variant has not been reported in the literature in individuals affected with EVC2-related conditions. ClinVar contains an entry for this variant (Variation ID: 2381426). Algorithms developed to predict the effect of missense changes on protein structure and function output the following: SIFT: "Not Available"; PolyPhen-2: "Benign"; Align-GVGD: "Not Available". The valine amino acid residue is found in multiple mammalian species, which suggests that this missense change does not adversely affect protein function. In summary, the available evidence is currently insufficient to determine the role of this variant in disease. Therefore, it has been classified as a Variant of Uncertain Significance.

Ambry Genetics
Classification: Uncertain significance for Inborn genetic diseases. Last evaluated: 2021-10-06. Review status: criteria provided, single submitter. Criteria: Ambry Variant Classification Scheme 2023. Collection method: clinical testing. Allele origin: germline.

NM_147127.5(EVC2):c.1645A>G (p.Ile549Val)

Gene: EVC2 (EvC ciliary complex subunit 2; minus strand). Cytogenetic location: 4p16.2.
Variant type: single nucleotide variant.
Coding change: c.1645A>G on transcript NM_147127.5 (MANE Select); coding-DNA position 1645, A replaced by G.
Protein change: p.Ile549Val; replaces isoleucine 549 with valine.
Molecular consequence: missense variant.
Genome position (GRCh38, 1-based): chr4:5,631,858, T>C on the plus strand (A>G on the coding strand, the complement: EVC2 is on the minus strand). VCF-style: chr4-5631858-T-C. GRCh37 (hg19) VCF-style: chr4-5633585-T-C.
Other names: c.1405A>G, p.Ile469Val (NM_001166136.2); short protein forms I469V, I549V.
Identifiers: ClinVar variation 2381426 (VCV002381426.5), dbSNP rs752929789, ClinGen allele CA2834993.